The following is an entry in ClinVar:

NM_007294.4(BRCA1):c.3185G>C (p.Gly1062Ala)

Gene: BRCA1 (BRCA1 DNA repair associated; minus strand). Cytogenetic location: 17q21.31.
Variant type: single nucleotide variant.
Coding change: c.3185G>C on transcript NM_007294.4 (MANE Select); coding-DNA position 3185, G replaced by C.
Protein change: p.Gly1062Ala; replaces glycine 1062 with alanine.
Molecular consequence: missense variant. On other transcripts: intron variant (137).
Genome position (GRCh38, 1-based): chr17:43,092,346, C>G on the plus strand (G>C on the coding strand, the complement: BRCA1 is on the minus strand). VCF-style: chr17-43092346-C-G. GRCh37 (hg19) VCF-style: chr17-41244363-C-G.
Other names: c.3182G>C, p.Gly1061Ala (NM_001407628.1, NM_001407629.1, NM_001407630.1 and 22 more transcripts); c.455-1314G>C (NM_001408502.1); c.578-1314G>C (NM_001408489.1, NM_001408479.1, NM_001408482.1 and 9 more transcripts); c.662-1314G>C (NM_001408445.1, NM_001408432.1, NM_001408450.1 and 6 more transcripts); c.668-1314G>C (NM_001408431.1, NM_001408424.1, NM_001408421.1); c.785-1314G>C (NM_001408407.1, NM_001408402.1, NM_001408473.1 and 13 more transcripts); c.647-1314G>C (NM_001408456.1, NM_001408458.1, NM_001408469.1 and 11 more transcripts); c.644-1314G>C (NM_001408465.1, NM_001408463.1, NM_001408470.1 and 3 more transcripts); and 41 more; short protein forms G1062A, G1015A, G1020A, G1059A, G766A, G934A, G935A, G951A.
Identifiers: ClinVar variation 950588 (VCV000950588.13), dbSNP rs397507211, ClinGen allele CA10595615.

ClinVar aggregate classification (germline): Conflicting classifications of pathogenicity. Review status: criteria provided, conflicting classifications (1 of 4 stars). 2 submissions from 2 submitters: Uncertain significance (1); Likely benign (1). Last evaluated 2023-03-23.

Conditions:
Hereditary cancer-predisposing syndrome. Also called: Tumor predisposition; Hereditary neoplastic syndrome; Neoplastic Syndromes, Hereditary; Hereditary Cancer Syndrome. Identifiers: Orphanet 140162, MedGen C0027672, MeSH D009386, MONDO:0015356.
Hereditary breast ovarian cancer syndrome. Also called: Hereditary breast and ovarian cancer; Hereditary breast and/or ovarian cancer syndrome; Hereditary breast and ovarian cancer syndrome; Hereditary breast and ovarian cancer syndrome (HBOC); BRCA1- and BRCA2-Associated Hereditary Breast and Ovarian Cancer; Breast and ovarian cancer. Identifiers: Orphanet 145, MedGen C0677776, MeSH D061325, MONDO:0003582. Disease mechanism: loss of function.

Submissions (2):

University of Washington Department of Laboratory Medicine, University of Washington
Classification: Likely benign for Hereditary cancer-predisposing syndrome. Last evaluated: 2023-03-23. Review status: criteria provided, single submitter. Criteria: Dines et al. (Genet Med. 2020). Collection method: curation. Allele origin: germline.
Comment: Missense variant in a coldspot region where missense variants are very unlikely to be pathogenic (PMID:31911673).

BRCA1 coldspot (exon 11 using historical exon numbering). Reclassification based on statistical prior probability

Labcorp Genetics (formerly Invitae), Labcorp
Classification: Uncertain significance for Hereditary breast ovarian cancer syndrome. Last evaluated: 2019-06-16. Review status: criteria provided, single submitter. Criteria: Invitae Variant Classification Sherloc (09022015). Collection method: clinical testing. Allele origin: germline.
Comment: This sequence change replaces glycine with alanine at codon 1062 of the BRCA1 protein (p.Gly1062Ala). The glycine residue is moderately conserved and there is a small physicochemical difference between glycine and alanine. This variant is not present in population databases (ExAC no frequency). This variant has not been reported in the literature in individuals with BRCA1-related conditions. Algorithms developed to predict the effect of missense changes on protein structure and function are either unavailable or do not agree on the potential impact of this missense change (SIFT: "Tolerated"; PolyPhen-2: "Possibly Damaging"; Align-GVGD: "Class C0"). In summary, the available evidence is currently insufficient to determine the role of this variant in disease. Therefore, it has been classified as a Variant of Uncertain Significance.